The following is an entry in ClinVar:

ClinVar aggregate classification (germline): Uncertain significance (1 of 4 stars; one submission).

Conditions:
Heterotopia, periventricular, X-linked dominant (PVNH1). Also called: PERIVENTRICULAR NODULAR HETEROTOPIA 4; HETEROTOPIA, PERIVENTRICULAR, 1; PERIVENTRICULAR NODULAR HETEROTOPIA 1; X-linked periventricular heterotopia. Identifiers: Orphanet 2149, Orphanet 82004, MedGen C1848213, MONDO:0010233, OMIM 300049.
Oto-palato-digital syndrome, type II (OPD2). Also called: Otopalatodigital Syndrome, Type II; FACIOPALATOOSSEOUS SYNDROME; OPD II SYNDROME; Otopalatodigital Syndrome Type 2 (FLNA-OPD2). Identifiers: Orphanet 669, Orphanet 90652, MedGen C1844696, MONDO:0010571, OMIM 304120.
Melnick-Needles syndrome (MNS). Also called: MELNICK-NEEDLES OSTEODYSPLASTY; OSTEODYSPLASTY OF MELNICK AND NEEDLES; Melnick-Needles Syndrome (FLNA-MNS). Identifiers: Orphanet 2484, MedGen C0025237, MONDO:0010650, OMIM 309350.
Frontometaphyseal dysplasia (FMD1). Identifiers: Orphanet 1826, MedGen C0265293, MONDO:0015942.

Submission:

Labcorp Genetics (formerly Invitae), Labcorp
Classification: Uncertain significance for Oto-palato-digital syndrome, type II; Heterotopia, periventricular, X-linked dominant; Frontometaphyseal dysplasia; Melnick-Needles syndrome. Last evaluated: 2018-10-22. Review status: criteria provided, single submitter. Criteria: Invitae Variant Classification Sherloc (09022015). Collection method: clinical testing. Allele origin: germline.
Comment: In summary, the available evidence is currently insufficient to determine the role of this variant in disease. Therefore, it has been classified as a Variant of Uncertain Significance. Algorithms developed to predict the effect of missense changes on protein structure and function (SIFT, PolyPhen-2, Align-GVGD) all suggest that this variant is likely to be disruptive, but these predictions have not been confirmed by published functional studies and their clinical significance is uncertain. This variant has not been reported in the literature in individuals with FLNA-related disease. This variant is not present in population databases (ExAC no frequency). This sequence change replaces tyrosine with cysteine at codon 735 of the FLNA protein (p.Tyr735Cys). The tyrosine residue is highly conserved and there is a large physicochemical difference between tyrosine and cysteine.

NM_001110556.2(FLNA):c.2204A>G (p.Tyr735Cys)

Gene: FLNA (filamin A; minus strand). Cytogenetic location: Xq28.
Variant type: single nucleotide variant.
Coding change: c.2204A>G on transcript NM_001110556.2 (MANE Select); coding-DNA position 2204, A replaced by G.
Protein change: p.Tyr735Cys; replaces tyrosine 735 with cysteine.
Molecular consequence: missense variant.
Genome position (GRCh38, 1-based): chrX:154,364,098, T>C on the plus strand (A>G on the coding strand, the complement: FLNA is on the minus strand). VCF-style: chrX-154364098-T-C. GRCh37 (hg19) VCF-style: chrX-153592466-T-C.
Other names: c.2204A>G, p.Tyr735Cys (NM_001456.4); short protein forms Y735C.
Identifiers: ClinVar variation 643872 (VCV000643872.10), dbSNP rs1603362223, ClinGen allele CA415237912.